The following is an entry in ClinVar:

NM_001081550.2(THOC2):c.1908A>G (p.Ser636=)

Gene: THOC2 (THO complex subunit 2; minus strand). Cytogenetic location: Xq25.
Variant type: single nucleotide variant.
Coding change: c.1908A>G on transcript NM_001081550.2 (MANE Select); coding-DNA position 1908, A replaced by G.
Protein change: p.Ser636=; no amino-acid change (serine 636 retained).
Molecular consequence: synonymous variant.
Genome position (GRCh38, 1-based): chrX:123,638,056, T>C on the plus strand (A>G on the coding strand, the complement: THOC2 is on the minus strand). VCF-style: chrX-123638056-T-C. GRCh37 (hg19) VCF-style: chrX-122771907-T-C.
Identifiers: ClinVar variation 2661349 (VCV002661349.24), dbSNP rs780305796, ClinGen allele CA10507660.

ClinVar aggregate classification (germline): Likely benign (1 of 4 stars; one submission).

Allele frequency attached by ClinVar (database versions not stated): ExAC 0.00001; TOPMed 0.00001; gnomAD 0.00002.
gnomAD v4.1: 24 of 1,192,246 alleles (0.002%); highest among the groups gnomAD compares: Non-Finnish European, 0.0025%; no homozygotes.

Submission:

CeGaT Center for Human Genetics Tuebingen
Classification: Likely benign. Last evaluated: 2022-03-01. Review status: criteria provided, single submitter. Criteria: CeGaT Center For Human Genetics Tuebingen Variant Classification Criteria Version 2. Collection method: clinical testing. Allele origin: germline. Affected: yes. Observed: 1 variant allele.
Comment: THOC2: BP4, BP7